The following is an entry in ClinVar:

ClinVar aggregate classification (germline): Uncertain significance (1 of 4 stars; one submission).

Submission:

Laboratory for Molecular Medicine, Mass General Brigham Personalized Medicine
Classification: Uncertain significance. Last evaluated: 2013-08-23. Review status: criteria provided, single submitter. Criteria: LMM Criteria. Collection method: clinical testing. Allele origin: germline. Observed: 1 variant allele.
Comment: The Met399Ile variant in RYR2 has not been reported in individuals with cardiomy opathy or in large population studies. Computational analyses (biochemical amino acid properties, conservation, PolyPhen2, and SIFT) suggest that this variant m ay impact the protein, though this information is not predictive enough to deter mine pathogenicity. Additional information is needed to fully assess the clinica l significance of the Met399Ile variant.

NM_001035.3(RYR2):c.1197G>A (p.Met399Ile)

Gene: RYR2 (ryanodine receptor 2; plus strand). Cytogenetic location: 1q43.
Variant type: single nucleotide variant.
Coding change: c.1197G>A on transcript NM_001035.3 (MANE Select); coding-DNA position 1197, G replaced by A.
Protein change: p.Met399Ile; replaces methionine 399 with isoleucine.
Molecular consequence: missense variant.
Genome position (GRCh38, 1-based): chr1:237,445,427, G>A. VCF-style: chr1-237445427-G-A. GRCh37 (hg19) VCF-style: chr1-237608727-G-A.
Other names: short protein forms M399I.
Identifiers: ClinVar variation 165077 (VCV000165077.5), dbSNP rs727503397, ClinGen allele CA007288.